The following is an entry in ClinVar:

NM_000554.6(CRX):c.863A>G (p.Tyr288Cys)

Gene: CRX (cone-rod homeobox; plus strand). Cytogenetic location: 19q13.33.
Variant type: single nucleotide variant.
Coding change: c.863A>G on transcript NM_000554.6 (MANE Select); coding-DNA position 863, A replaced by G.
Protein change: p.Tyr288Cys; replaces tyrosine 288 with cysteine.
Molecular consequence: missense variant.
Genome position (GRCh38, 1-based): chr19:47,839,930, A>G. VCF-style: chr19-47839930-A-G. GRCh37 (hg19) VCF-style: chr19-48343187-A-G.
Other names: short protein forms Y288C.
Identifiers: ClinVar variation 2143877 (VCV002143877.4), dbSNP rs1968174693, ClinGen allele CA406631977.

ClinVar aggregate classification (germline): Uncertain significance (1 of 4 stars; one submission).

Conditions:
Leber congenital amaurosis 7 (LCA7). Identifiers: Orphanet 65, MedGen C3151192, MONDO:0013449, OMIM 613829.
Cone-rod dystrophy 2 (CORD2). Also called: CONE-ROD RETINAL DYSTROPHY; Cone-rod retinal dystrophy 2. Identifiers: Orphanet 1872, MedGen C3489532, MONDO:0007362, OMIM 120970.

Allele frequency attached by ClinVar (database versions not stated): TOPMed 0.00002.

Submission:

Labcorp Genetics (formerly Invitae), Labcorp
Classification: Uncertain significance for Cone-rod dystrophy 2; Leber congenital amaurosis 7. Last evaluated: 2022-10-07. Review status: criteria provided, single submitter. Criteria: Invitae Variant Classification Sherloc (09022015). Collection method: clinical testing. Allele origin: germline.
Comment: In summary, the available evidence is currently insufficient to determine the role of this variant in disease. Therefore, it has been classified as a Variant of Uncertain Significance. Advanced modeling of protein sequence and biophysical properties (such as structural, functional, and spatial information, amino acid conservation, physicochemical variation, residue mobility, and thermodynamic stability) performed at Invitae indicates that this missense variant is not expected to disrupt CRX protein function. This variant has not been reported in the literature in individuals affected with CRX-related conditions. This variant is not present in population databases (gnomAD no frequency). This sequence change replaces tyrosine, which is neutral and polar, with cysteine, which is neutral and slightly polar, at codon 288 of the CRX protein (p.Tyr288Cys).